The following is an entry in ClinVar:

ClinVar aggregate classification (germline): Likely benign (1 of 4 stars; one submission).

Allele frequency attached by ClinVar (database versions not stated): ExAC 0.00002; gnomAD exomes 0.00002; gnomAD 0.00003; TOPMed 0.00003.
gnomAD v4.1: 36 of 1,612,236 alleles (0.0022%); highest among the groups gnomAD compares: Admixed American, 0.02%; no homozygotes.

Submission:

CeGaT Center for Human Genetics Tuebingen
Classification: Likely benign. Last evaluated: 2022-11-01. Review status: criteria provided, single submitter. Criteria: CeGaT Center For Human Genetics Tuebingen Variant Classification Criteria Version 2. Collection method: clinical testing. Allele origin: germline. Affected: yes. Observed: 1 variant allele.
Comment: PRKACA: BP4, BP7

NM_002730.4(PRKACA):c.600C>T (p.Cys200=)

Gene: PRKACA (protein kinase cAMP-activated catalytic subunit alpha; minus strand). Cytogenetic location: 19p13.12.
Variant type: single nucleotide variant.
Coding change: c.600C>T on transcript NM_002730.4 (MANE Select); coding-DNA position 600, C replaced by T.
Protein change: p.Cys200=; no amino-acid change (cysteine 200 retained).
Molecular consequence: synonymous variant.
Genome position (GRCh38, 1-based): chr19:14,097,621, G>A on the plus strand (C>T on the coding strand, the complement: PRKACA is on the minus strand). VCF-style: chr19-14097621-G-A. GRCh37 (hg19) VCF-style: chr19-14208433-G-A.
Other names: c.828C>T, p.Cys276= (NM_001304349.2); c.576C>T, p.Cys192= (NM_207518.3).
Identifiers: ClinVar variation 2649413 (VCV002649413.24), dbSNP rs769653802, ClinGen allele CA9249260.